The following is an entry in ClinVar:

ClinVar aggregate classification (germline): Uncertain significance (1 of 4 stars; one submission).

Conditions:
Mucopolysaccharidosis, MPS-III-B (MPS3B). Also called: N-ACETYL-ALPHA-D-GLUCOSAMINIDASE DEFICIENCY; NAGLU DEFICIENCY; SANFILIPPO SYNDROME B; MPS III B; MPS IIIB (Sanfilippo Syndrome Type B); MUCOPOLYSACCHARIDOSIS, TYPE IIIB. Identifiers: Orphanet 79270, MedGen C0086648, MONDO:0009656, OMIM 252920.
Charcot-Marie-Tooth disease axonal type 2V. Also called: CHARCOT-MARIE-TOOTH NEUROPATHY, TYPE 2V; CHARCOT-MARIE-TOOTH DISEASE, AXONAL, AUTOSOMAL DOMINANT, TYPE 2V. Identifiers: Orphanet 447964, MedGen C5569050, MONDO:0014665, OMIM 616491.

Submission:

Labcorp Genetics (formerly Invitae), Labcorp
Classification: Uncertain significance for Charcot-Marie-Tooth disease axonal type 2V; Mucopolysaccharidosis, MPS-III-B. Last evaluated: 2021-10-23. Review status: criteria provided, single submitter. Criteria: Invitae Variant Classification Sherloc (09022015). Collection method: clinical testing. Allele origin: germline.
Comment: This sequence change replaces valine with isoleucine at codon 249 of the NAGLU protein (p.Val249Ile). The valine residue is highly conserved and there is a small physicochemical difference between valine and isoleucine. This variant is not present in population databases (ExAC no frequency). This variant has not been reported in the literature in individuals with NAGLU-related conditions. Algorithms developed to predict the effect of missense changes on protein structure and function output the following: SIFT: "Deleterious"; PolyPhen-2: "Benign"; Align-GVGD: "Class C25". The isoleucine amino acid residue is found in multiple mammalian species, suggesting that this missense change does not adversely affect protein function. These predictions have not been confirmed by published functional studies and their clinical significance is uncertain. In summary, the available evidence is currently insufficient to determine the role of this variant in disease. Therefore, it has been classified as a Variant of Uncertain Significance.

NM_000263.4(NAGLU):c.745G>A (p.Val249Ile)

Gene: NAGLU (N-acetyl-alpha-glucosaminidase; plus strand). Cytogenetic location: 17q21.2.
Variant type: single nucleotide variant.
Coding change: c.745G>A on transcript NM_000263.4 (MANE Select); coding-DNA position 745, G replaced by A.
Protein change: p.Val249Ile; replaces valine 249 with isoleucine.
Molecular consequence: missense variant.
Genome position (GRCh38, 1-based): chr17:42,538,736, G>A. VCF-style: chr17-42538736-G-A. GRCh37 (hg19) VCF-style: chr17-40690754-G-A.
Other names: short protein forms V249I.
Identifiers: ClinVar variation 1447931 (VCV001447931.3), dbSNP rs2092914005, ClinGen allele CA399599087.